The following is an entry in ClinVar:

ClinVar aggregate classification (germline): Uncertain significance (1 of 4 stars; one submission).

Conditions:
Chédiak-Higashi syndrome (CHS). Also called: Chediak-Higashi Syndrome. Identifiers: Orphanet 167, MedGen C0007965, MONDO:0008963, OMIM 214500.

Allele frequency attached by ClinVar (database versions not stated): gnomAD exomes below 0.00001.
gnomAD v4.1: 1 of 1,613,958 alleles (0.000062%); highest among the groups gnomAD compares: South Asian, 0.0011%; no homozygotes.

Submission:

Labcorp Genetics (formerly Invitae), Labcorp
Classification: Uncertain significance for Chédiak-Higashi syndrome. Last evaluated: 2021-11-03. Review status: criteria provided, single submitter. Criteria: Invitae Variant Classification Sherloc (09022015). Collection method: clinical testing. Allele origin: germline.
Comment: This sequence change replaces lysine, which is basic and polar, with arginine, which is basic and polar, at codon 3217 of the LYST protein (p.Lys3217Arg). This variant is not present in population databases (gnomAD no frequency). This variant has not been reported in the literature in individuals affected with LYST-related conditions. Algorithms developed to predict the effect of missense changes on protein structure and function are either unavailable or do not agree on the potential impact of this missense change (SIFT: "Deleterious"; PolyPhen-2: "Probably Damaging"; Align-GVGD: "Class C0"). In summary, the available evidence is currently insufficient to determine the role of this variant in disease. Therefore, it has been classified as a Variant of Uncertain Significance.

NM_000081.4(LYST):c.9650A>G (p.Lys3217Arg)

Gene: LYST (lysosomal trafficking regulator; minus strand). Cytogenetic location: 1q42.3.
Variant type: single nucleotide variant.
Coding change: c.9650A>G on transcript NM_000081.4 (MANE Select); coding-DNA position 9650, A replaced by G.
Protein change: p.Lys3217Arg; replaces lysine 3217 with arginine.
Molecular consequence: missense variant.
Genome position (GRCh38, 1-based): chr1:235,715,335, T>C on the plus strand (A>G on the coding strand, the complement: LYST is on the minus strand). VCF-style: chr1-235715335-T-C. GRCh37 (hg19) VCF-style: chr1-235878635-T-C.
Other names: c.9650A>G, p.Lys3217Arg (NM_001301365.1); short protein forms K3217R.
Identifiers: ClinVar variation 1390998 (VCV001390998.5), dbSNP rs2527406946, ClinGen allele CA344939750.